The following is an entry in ClinVar:

NM_003922.4(HERC1):c.12865G>A (p.Ala4289Thr)

Gene: HERC1 (HECT and RLD domain containing E3 ubiquitin protein ligase family member 1; minus strand). Cytogenetic location: 15q22.31.
Variant type: single nucleotide variant.
Coding change: c.12865G>A on transcript NM_003922.4 (MANE Select); coding-DNA position 12865, G replaced by A.
Protein change: p.Ala4289Thr; replaces alanine 4289 with threonine.
Molecular consequence: missense variant.
Genome position (GRCh38, 1-based): chr15:63,630,567, C>T on the plus strand (G>A on the coding strand, the complement: HERC1 is on the minus strand). VCF-style: chr15-63630567-C-T. GRCh37 (hg19) VCF-style: chr15-63922766-C-T.
Other names: short protein forms A4289T.
Identifiers: ClinVar variation 5009062 (VCV005009062.1).
Genomic context (GRCh38, chr15:63,630,567, plus strand): 5'-TTGATGCCAAAGCAAGTGTGTGTTCAGCTCCAACTGCCACATCTTCTATGATTACTCCAG[C>T]CAGGACAGGGATTTGTTGCGGTCGATTGTGATTGCGAGCACGCCCCTCTGGCAAGCCTAT-3'
Protein context (NP_003913.3, residues 4279-4299): HNRPQQIPVL[Ala4289Thr]GVIIEDVAVG

ClinVar aggregate classification (germline): Uncertain significance (1 of 4 stars; one submission).

gnomAD v4.1: 19 of 1,614,052 alleles (0.0012%); highest among the groups gnomAD compares: South Asian, 0.014%; 1 homozygote.

Submission:

GeneDx
Classification: Uncertain significance. Last evaluated: 2026-03-12. Review status: criteria provided, single submitter. Criteria: GeneDx Variant Classification Process June 2021. Collection method: clinical testing. Allele origin: germline.
Comment: Not observed at significant frequency in large population cohorts (gnomAD); In silico analysis suggests that this missense variant does not alter protein structure/function; Has not been previously published as pathogenic or benign to our knowledge